The following is an entry in ClinVar:

NM_001165963.4(SCN1A):c.471_473+6del

Gene: SCN1A (sodium voltage-gated channel alpha subunit 1; minus strand). Cytogenetic location: 2q24.3.
Variant type: Deletion.
Coding change: c.471_473+6del on transcript NM_001165963.4 (MANE Select); coding-DNA position 471 through 6 bases into the intron after coding-DNA position 473, 9 bases deleted (AGAGTAAGT; older notation c.471_473+6delAGAGTAAGT).
Molecular consequence: splice donor variant.
Genome position (GRCh38, 1-based): chr2:166,056,405-166,056,413, ACTTACTCT deleted on the plus strand (AGAGTAAGT on the coding strand, the reverse complement: SCN1A is on the minus strand); deleting any 9 consecutive bases within chr2:166,056,405-166,056,415 gives the same sequence; the c. name uses the placement nearest the transcript's 3' end. VCF-style (leftmost placement, unchanged base first): chr2-166056404-AACTTACTCT-A. GRCh37 (hg19) VCF-style: chr2-166912914-AACTTACTCT-A.
Other names: c.471_473+6del (NM_001353949.2, NM_001353958.2, NM_001353950.2 and 10 more transcripts); c.-1955_-1953+6del (NM_001353961.2).
Identifiers: ClinVar variation 2094044 (VCV002094044.4), dbSNP rs2468257958, ClinGen allele CA2580064328.

ClinVar aggregate classification (germline): Likely pathogenic (1 of 4 stars; one submission).

Conditions:
Early-infantile DEE. Also called: Ohtahara syndrome; Early infantile epileptic encephalopathy with suppression bursts; Early infantile epileptic encephalopathy. Identifiers: Orphanet 1934, MedGen C0393706, MONDO:0800491.

Submission:

Labcorp Genetics (formerly Invitae), Labcorp
Classification: Likely pathogenic for Early-infantile DEE. Last evaluated: 2022-09-01. Review status: criteria provided, single submitter. Criteria: Invitae Variant Classification Sherloc (09022015). Collection method: clinical testing. Allele origin: germline.
Comment: This variant results in the deletion of part of exon 3 of the SCN1A gene. It is expected to disrupt RNA splicing. Variants that disrupt the donor or acceptor splice site typically lead to a loss of protein function (PMID: 16199547), and loss-of-function variants in SCN1A are known to be pathogenic (PMID: 17347258, 18930999). This variant is not present in population databases (gnomAD no frequency). This variant has not been reported in the literature in individuals affected with SCN1A-related conditions. Algorithms developed to predict the effect of sequence changes on RNA splicing suggest that this variant may disrupt the consensus splice site. In summary, the currently available evidence indicates that the variant is pathogenic, but additional data are needed to prove that conclusively. Therefore, this variant has been classified as Likely Pathogenic.

Literature cited by the submitters: PubMed 16199547; PubMed 17347258; PubMed 18930999.